The following is an entry in ClinVar:

ClinVar aggregate classification (germline): Uncertain significance (1 of 4 stars; one submission).

Submission:

Labcorp Genetics (formerly Invitae), Labcorp
Classification: Uncertain significance. Last evaluated: 2023-01-12. Review status: criteria provided, single submitter. Criteria: Invitae Variant Classification Sherloc (09022015). Collection method: clinical testing. Allele origin: germline.
Comment: Algorithms developed to predict the effect of missense changes on protein structure and function output the following: SIFT: "Tolerated"; PolyPhen-2: "Benign"; Align-GVGD: "Class C0". The tyrosine amino acid residue is found in multiple mammalian species, which suggests that this missense change does not adversely affect protein function. In summary, the available evidence is currently insufficient to determine the role of this variant in disease. Therefore, it has been classified as a Variant of Uncertain Significance. This variant has not been reported in the literature in individuals affected with GEN1-related conditions. This variant is not present in population databases (gnomAD no frequency). This sequence change replaces histidine, which is basic and polar, with tyrosine, which is neutral and polar, at codon 827 of the GEN1 protein (p.His827Tyr).

NM_001130009.3(GEN1):c.2479C>T (p.His827Tyr)

Gene: GEN1 (GEN1 structure-specific endonuclease; plus strand). Cytogenetic location: 2p24.2.
Variant type: single nucleotide variant.
Coding change: c.2479C>T on transcript NM_001130009.3 (MANE Select); coding-DNA position 2479, C replaced by T.
Protein change: p.His827Tyr; replaces histidine 827 with tyrosine.
Molecular consequence: missense variant.
Genome position (GRCh38, 1-based): chr2:17,781,691, C>T. VCF-style: chr2-17781691-C-T. GRCh37 (hg19) VCF-style: chr2-17962958-C-T.
Other names: c.2479C>T, p.His827Tyr (NM_182625.5); short protein forms H827Y.
Identifiers: ClinVar variation 2984734 (VCV002984734.3), dbSNP rs2545633893, ClinGen allele CA345928141.
Genomic context (GRCh38, chr2:17,781,691, plus strand): 5'-GCCCCAGTGTTTGGGAAAGCTAAGTACACAACTCAAAGAATGAAGCACAGTTCTCAAAAG[C>T]ATAATTCATCCCATTTCAAAGAAAGTGGCCATAACAAGTTGAGTAGCCCTAAGATACATA-3'
Protein context (NP_001123481.3, residues 817-837): TQRMKHSSQK[His827Tyr]NSSHFKESGH